The following is an entry in ClinVar:

ClinVar aggregate classification (germline): Uncertain significance (1 of 4 stars; one submission).

Conditions:
Diffuse cerebral and cerebellar atrophy - intractable seizures - progressive microcephaly syndrome. Also called: Microcephaly, progressive, with seizures and cerebral and cerebellar atrophy. Identifiers: Orphanet 404437, MedGen C4014239, MONDO:0014335, OMIM 615760.

Allele frequency attached by ClinVar (database versions not stated): gnomAD 0.00001; gnomAD exomes 0.00001; TOPMed 0.00003.

Submission:

Labcorp Genetics (formerly Invitae), Labcorp
Classification: Uncertain significance for Diffuse cerebral and cerebellar atrophy - intractable seizures - progressive microcephaly syndrome. Last evaluated: 2019-04-16. Review status: criteria provided, single submitter. Criteria: Invitae Variant Classification Sherloc (09022015). Collection method: clinical testing. Allele origin: germline.
Comment: In summary, the available evidence is currently insufficient to determine the role of this variant in disease. Therefore, it has been classified as a Variant of Uncertain Significance. Algorithms developed to predict the effect of missense changes on protein structure and function output the following: SIFT: "Tolerated"; PolyPhen-2: "Benign"; Align-GVGD: "Class C0". The glutamine amino acid residue is found in multiple mammalian species, suggesting that this missense change does not adversely affect protein function. These predictions have not been confirmed by published functional studies and their clinical significance is uncertain. This variant has not been reported in the literature in individuals with QARS-related conditions. This variant is not present in population databases (ExAC no frequency). This sequence change replaces arginine with glutamine at codon 667 of the QARS protein (p.Arg667Gln). The arginine residue is weakly conserved and there is a small physicochemical difference between arginine and glutamine.

NM_005051.3(QARS1):c.2000G>A (p.Arg667Gln)

Gene: QARS1 (glutaminyl-tRNA synthetase 1; minus strand). Cytogenetic location: 3p21.31.
Variant type: single nucleotide variant.
Coding change: c.2000G>A on transcript NM_005051.3 (MANE Select); coding-DNA position 2000, G replaced by A.
Protein change: p.Arg667Gln; replaces arginine 667 with glutamine.
Molecular consequence: missense variant. On other transcripts: non-coding transcript variant (1).
Genome position (GRCh38, 1-based): chr3:49,098,437, C>T on the plus strand (G>A on the coding strand, the complement: QARS1 is on the minus strand). VCF-style: chr3-49098437-C-T. GRCh37 (hg19) VCF-style: chr3-49135870-C-T.
Other names: c.1967G>A, p.Arg656Gln (NM_001272073.2); short protein forms R667Q, R656Q.
Identifiers: ClinVar variation 857029 (VCV000857029.6), dbSNP rs1037325022, ClinGen allele CA74472415.
Genomic context (GRCh38, chr3:49,098,437, plus strand): 5'-CACATCAAAGGCTGTGACACCCAGTGAATAAAGGCCTTTGGCTTCTCTCCAGCATCTGCC[C>T]GTCTGCAGGTCACCTCCAGACTCTCTACACAACCACTGGGGCCCTGGAAGTGGGGGGAGG-3'
Protein context (NP_005042.1, residues 657-677): CVESLEVTCR[Arg667Gln]ADAGEKPKAF